The following is an entry in ClinVar:

ClinVar aggregate classification (germline): Uncertain significance. Review status: criteria provided, multiple submitters, no conflicts (2 of 4 stars). 7 submissions from 7 submitters: Uncertain significance (5). 2 of the submissions do not count toward it. Last evaluated 2025-10-30.

Conditions:
Hereditary cancer-predisposing syndrome. Also called: Hereditary neoplastic syndrome; Tumor predisposition; Hereditary Cancer Syndrome; Neoplastic Syndromes, Hereditary. Identifiers: Orphanet 140162, MedGen C0027672, MeSH D009386, MONDO:0015356.
Fumarase deficiency (FMRD). Also called: Fumaric aciduria; Fumarate Hydratase Deficiency. Identifiers: Orphanet 24, MedGen C0342770, MONDO:0011730, OMIM 606812.
B Lymphoblastic Leukemia/Lymphoma, Not Otherwise Specified. Identifiers: MedGen C2698310.
Hepatoblastoma. Identifiers: Orphanet 449, MedGen C0206624, MONDO:0018666, HP:0002884.

Allele frequency attached by ClinVar (database versions not stated): gnomAD exomes below 0.00001; gnomAD 0.00002; TOPMed 0.00002.

Submissions (7):

Ambry Genetics
Classification: Uncertain significance for Hereditary cancer-predisposing syndrome. Last evaluated: 2025-10-30. Review status: criteria provided, single submitter. Criteria: Ambry Variant Classification Scheme 2023. Collection method: clinical testing. Allele origin: germline.
Comment: The p.S222T variant (also known as c.664T>A), located in coding exon 5 of the FH gene, results from a T to A substitution at nucleotide position 664. The serine at codon 222 is replaced by threonine, an amino acid with similar properties. This amino acid position is well conserved in available vertebrate species. In addition, the in silico prediction for this alteration is inconclusive. Since supporting evidence is limited at this time, the clinical significance of this alteration remains unclear.

GeneDx
Classification: Uncertain significance. Last evaluated: 2025-02-23. Review status: criteria provided, single submitter. Criteria: GeneDx Variant Classification Process June 2021. Collection method: clinical testing. Allele origin: germline. Affected: yes.
Comment: Not observed at significant frequency in large population cohorts (gnomAD); In silico analysis indicates that this missense variant does not alter protein structure/function; Observed in an individual with hepatoblastoma (PMID: 35495172); This variant is associated with the following publications: (PMID: 35495172)

Labcorp Genetics (formerly Invitae), Labcorp
Classification: Uncertain significance. Last evaluated: 2025-01-05. Review status: criteria provided, single submitter. Criteria: Invitae Variant Classification Sherloc (09022015). Collection method: clinical testing. Allele origin: germline.
Comment: This sequence change replaces serine, which is neutral and polar, with threonine, which is neutral and polar, at codon 222 of the FH protein (p.Ser222Thr). This variant is present in population databases (no rsID available, gnomAD 0.004%). This variant has not been reported in the literature in individuals affected with FH-related conditions. ClinVar contains an entry for this variant (Variation ID: 576908). Invitae Evidence Modeling of protein sequence and biophysical properties (such as structural, functional, and spatial information, amino acid conservation, physicochemical variation, residue mobility, and thermodynamic stability) has been performed for this missense variant. However, the output from this modeling did not meet the statistical confidence thresholds required to predict the impact of this variant on FH protein function. In summary, the available evidence is currently insufficient to determine the role of this variant in disease. Therefore, it has been classified as a Variant of Uncertain Significance.

Genetic Services Laboratory, University of Chicago
Classification: Uncertain significance. Last evaluated: 2019-04-25. Review status: criteria provided, single submitter. Criteria: ACMG Guidelines, 2015. Collection method: clinical testing. Allele origin: germline. Affected: no.

St. Jude Molecular Pathology, St. Jude Children's Research Hospital
Classification: Uncertain significance for B Lymphoblastic Leukemia/Lymphoma, Not Otherwise Specified. Last evaluated: 2016-04-11. Review status: criteria provided, single submitter. Criteria: ACMG Guidelines, 2015. Collection method: clinical testing. Allele origin: germline. Affected: yes.

Natera, Inc.
Classification: Uncertain significance for Fumarase Deficiency. Last evaluated: 2021-05-27. Review status: no assertion criteria provided. Collection method: clinical testing. Allele origin: germline. Not counted in ClinVar's aggregate classification.

Molecular Oncology -  Human Genetics Lab, University of Sao Paulo
Classification: Uncertain significance for Hepatoblastoma. Review status: no assertion criteria provided. Collection method: research. Allele origin: germline. Affected: yes. Not counted in ClinVar's aggregate classification.

NM_000143.4(FH):c.664T>A (p.Ser222Thr)

Gene: FH (fumarate hydratase; minus strand). Cytogenetic location: 1q43.
Variant type: single nucleotide variant.
Coding change: c.664T>A on transcript NM_000143.4 (MANE Select); coding-DNA position 664, T replaced by A.
Protein change: p.Ser222Thr; replaces serine 222 with threonine.
Molecular consequence: missense variant.
Genome position (GRCh38, 1-based): chr1:241,508,677, A>T on the plus strand (T>A on the coding strand, the complement: FH is on the minus strand). VCF-style: chr1-241508677-A-T. GRCh37 (hg19) VCF-style: chr1-241671977-A-T.
Other names: short protein forms S222T.
Identifiers: ClinVar variation 576908 (VCV000576908.23), dbSNP rs1448268784, ClinGen allele CA345439288.
Genomic context (GRCh38, chr1:241,508,677, plus strand): 5'-GTGGAACAGCATCCTGAGTATGAGTACGTCCAATCTTGATGATCTGTGCAAACTCTTTGG[A>T]TTTTGCATCAAGAGCATCATGTAACTTCTGTAGTCCTGGTAACAGTACTTCATGAACTTC-3'
Protein context (NP_000134.2, residues 212-232): QKLHDALDAK[Ser222Thr]KEFAQIIKIG